The following is an entry in ClinVar:

NM_003809.3(TNFSF12):c.596C>T (p.Ala199Val)

Genes: TNFSF12 (TNF superfamily member 12; plus strand), TNFSF12-TNFSF13 (TNFSF12-TNFSF13 readthrough; plus strand). Cytogenetic location: 17p13.1.
Variant type: single nucleotide variant.
Coding change: c.596C>T on transcript NM_003809.3 (MANE Select); coding-DNA position 596, C replaced by T.
Protein change: p.Ala199Val; replaces alanine 199 with valine.
Molecular consequence: missense variant. On other transcripts: non-coding transcript variant (1), intron variant (1).
Genome position (GRCh38, 1-based): chr17:7,557,196, C>T. VCF-style: chr17-7557196-C-T. GRCh37 (hg19) VCF-style: chr17-7460513-C-T.
Other names: c.498+294C>T (NM_172089.4); short protein forms A199V.
Identifiers: ClinVar variation 938176 (VCV000938176.10), dbSNP rs753366720, ClinGen allele CA8350880.
Genomic context (GRCh38, chr17:7,557,196, plus strand): 5'-TGGACTTGCTGGTGGATGGTGTGCTGGCCCTGCGCTGCCTGGAGGAATTCTCAGCCACTG[C>T]GGCGAGTTCCCTCGGGCCCCAGCTCCGCCTCTGCCAGGTGTCTGGGCTGTTGGCCCTGCG-3'
Protein context (NP_003800.1, residues 189-209): LRCLEEFSAT[Ala199Val]ASSLGPQLRL

ClinVar aggregate classification (germline): Uncertain significance (1 of 4 stars; one submission).

Conditions:
Common variable immunodeficiency (CVID). Also called: Common variable hypogamma-globulinemia; Common variable agammaglobulinemia. Identifiers: Orphanet 1572, MedGen C0009447, MONDO:0015517.

Allele frequency attached by ClinVar (database versions not stated): gnomAD 0.00001; ExAC 0.00002; gnomAD exomes 0.00002; TOPMed 0.00002.

Submission:

Labcorp Genetics (formerly Invitae), Labcorp
Classification: Uncertain significance for Common variable immunodeficiency. Last evaluated: 2024-12-04. Review status: criteria provided, single submitter. Criteria: Invitae Variant Classification Sherloc (09022015). Collection method: clinical testing. Allele origin: germline.
Comment: This sequence change replaces alanine, which is neutral and non-polar, with valine, which is neutral and non-polar, at codon 199 of the TNFSF12 protein (p.Ala199Val). This variant is present in population databases (rs753366720, gnomAD 0.003%). This variant has not been reported in the literature in individuals affected with TNFSF12-related conditions. ClinVar contains an entry for this variant (Variation ID: 938176). An algorithm developed to predict the effect of missense changes on protein structure and function (PolyPhen-2) suggests that this variant is likely to be tolerated. In summary, the available evidence is currently insufficient to determine the role of this variant in disease. Therefore, it has been classified as a Variant of Uncertain Significance.